The following is an entry in ClinVar:

NM_001035.3(RYR2):c.9018-11T>C

Gene: RYR2 (ryanodine receptor 2; plus strand). Cytogenetic location: 1q43.
Variant type: single nucleotide variant.
Coding change: c.9018-11T>C on transcript NM_001035.3 (MANE Select); 11 bases into the intron before coding-DNA position 9018, T replaced by C.
Molecular consequence: intron variant.
Genome position (GRCh38, 1-based): chr1:237,687,444, T>C. VCF-style: chr1-237687444-T-C. GRCh37 (hg19) VCF-style: chr1-237850744-T-C.
Identifiers: ClinVar variation 927825 (VCV000927825.13), dbSNP rs781149223, ClinGen allele CA087808.
Genomic context (GRCh38, chr1:237,687,444, plus strand): 5'-TAATTTCCCCCTGTCTTTTCTACCTTCCCTTCCCCCTTCCCTTTTCTCTTTTGTTTTTCT[T>C]TTGTCTTCAGCCTATTCTGCAAACTTGGAGTTCTTGTCAGGCATAGGATTTCACTATTTG-3'

ClinVar aggregate classification (germline): Likely benign. Review status: criteria provided, multiple submitters, no conflicts (2 of 4 stars). 4 submissions from 4 submitters: Likely benign (4). Last evaluated 2025-03-05.

Conditions:
Cardiomyopathy (CMYO). Also called: Cardiomyopathies. Identifiers: Orphanet 167848, MedGen C0878544, MONDO:0004994, HP:0001638. Inheritance: Various modes of inheritance.
Catecholaminergic polymorphic ventricular tachycardia 1. Also called: VENTRICULAR TACHYCARDIA, CATECHOLAMINERGIC POLYMORPHIC, 1, WITH OR WITHOUT ATRIAL DYSFUNCTION AND/OR DILATED CARDIOMYOPATHY; VENTRICULAR TACHYCARDIA, STRESS-INDUCED POLYMORPHIC 1; RYR2-Related Catecholaminergic Polymorphic Ventricular Tachycardia. Identifiers: Orphanet 3286, MedGen C1631597, MONDO:0011484, OMIM 604772.
Catecholaminergic polymorphic ventricular tachycardia (CVPT). Also called: Catecholamine-induced polymorphic ventricular tachycardia. Identifiers: Orphanet 3286, MedGen C5574922, MONDO:0017990.

Allele frequency attached by ClinVar (database versions not stated): gnomAD 0.00003; gnomAD exomes 0.00003 and 0.00004; TOPMed 0.00003; ExAC 0.00006.
gnomAD v4.1: 59 of 1,570,314 alleles (0.0038%); highest among the groups gnomAD compares: Non-Finnish European, 0.0048%; no homozygotes.

Submissions (4):

Labcorp Genetics (formerly Invitae), Labcorp
Classification: Likely benign for Catecholaminergic polymorphic ventricular tachycardia 1. Last evaluated: 2025-03-05. Review status: criteria provided, single submitter. Criteria: Invitae Variant Classification Sherloc (09022015). Collection method: clinical testing. Allele origin: germline.

All of Us Research Program, National Institutes of Health
Classification: Likely benign for Catecholaminergic polymorphic ventricular tachycardia. Last evaluated: 2023-12-13. Review status: criteria provided, single submitter. Criteria: ACMG Guidelines, 2015. Collection method: clinical testing. Allele origin: germline. Inheritance: Autosomal dominant inheritance. Observed: 10 variant alleles, 10 heterozygotes.
Comment: This study involves interpretation of variants in research participants for the purpose of population health screening. Participant phenotype was not available at the time of variant classification. Additional details can be found in publication PMID: 35346344, PMCID: PMC8962531

GeneDx
Classification: Likely benign. Last evaluated: 2021-04-26. Review status: criteria provided, single submitter. Criteria: GeneDx Variant Classification Process June 2021. Collection method: clinical testing. Allele origin: germline. Affected: yes.

Color Diagnostics, LLC DBA Color Health
Classification: Likely benign for Cardiomyopathy. Last evaluated: 2018-11-23. Review status: criteria provided, single submitter. Criteria: ACMG Guidelines, 2015. Collection method: clinical testing. Allele origin: germline.